The following is an entry in ClinVar:

ClinVar aggregate classification (germline): Uncertain significance (1 of 4 stars; one submission).

Conditions:
Cardiomyopathy (CMYO). Also called: Cardiomyopathies. Identifiers: Orphanet 167848, MedGen C0878544, MONDO:0004994, HP:0001638. Inheritance: Various modes of inheritance.

Submission:

Color Diagnostics, LLC DBA Color Health
Classification: Uncertain significance for Cardiomyopathy. Last evaluated: 2024-03-07. Review status: criteria provided, single submitter. Criteria: ACMG Guidelines, 2015. Collection method: clinical testing. Allele origin: germline.
Comment: This missense variant replaces arginine with leucine at codon 726 of the MYBPC3 protein. Computational prediction suggests that this variant may not impact protein structure and function (internally defined REVEL score threshold <= 0.5, PMID: 27666373). To our knowledge, functional studies have not been reported for this variant. This variant has not been reported in individuals affected with cardiovascular disorders in the literature. This variant has not been identified in the general population by the Genome Aggregation Database (gnomAD). The available evidence is insufficient to determine the role of this variant in disease conclusively. Therefore, this variant is classified as a Variant of Uncertain Significance.

NM_000256.3(MYBPC3):c.2177G>T (p.Arg726Leu)

Gene: MYBPC3 (myosin binding protein C3; minus strand). Cytogenetic location: 11p11.2.
Variant type: single nucleotide variant.
Coding change: c.2177G>T on transcript NM_000256.3 (MANE Select); coding-DNA position 2177, G replaced by T.
Protein change: p.Arg726Leu; replaces arginine 726 with leucine.
Molecular consequence: missense variant.
Genome position (GRCh38, 1-based): chr11:47,338,651, C>A on the plus strand (G>T on the coding strand, the complement: MYBPC3 is on the minus strand). VCF-style: chr11-47338651-C-A. GRCh37 (hg19) VCF-style: chr11-47360202-C-A.
Other names: short protein forms R726L.
Identifiers: ClinVar variation 2773722 (VCV002773722.2), dbSNP rs397515953, ClinGen allele CA380320561.